The following is an entry in ClinVar:

ClinVar aggregate classification (germline): Likely pathogenic (1 of 4 stars; one submission).

Conditions:
Familial dysautonomia. Also called: HSAN III; FD. Identifiers: Orphanet 1764, MedGen C0013364, MONDO:0009131, OMIM 223900. Disease mechanism: loss of function.

gnomAD v4.1: 1 of 1,613,608 alleles (0.000062%); no homozygotes.

Submission:

Natera, Inc.
Classification: Likely pathogenic for Familial dysautonomia. Last evaluated: 2024-05-16. Review status: criteria provided, single submitter. Criteria: Natera Variant Classification Schema (03/2026). Collection method: clinical testing. Allele origin: germline.
Comment: The c.864+1G>A variant in ELP1 is a canonical splice donor site variant predicted to affect pre-mRNA splicing, which may result in an abnormal transcript and altered protein product. This variant is expected to result in nonsense mediated decay, truncation, or a dysfunctional protein product. This variant is rare in the general population with a frequency below the threshold expected for the associated phenotype(s). Given the available evidence, this variant is classified as Likely Pathogenic.

NM_003640.5(ELP1):c.864+1G>A

Gene: ELP1 (elongator acetyltransferase complex subunit 1; minus strand). Cytogenetic location: 9q31.3.
Variant type: single nucleotide variant.
Coding change: c.864+1G>A on transcript NM_003640.5 (MANE Select); the canonical splice donor site of the intron after coding-DNA position 864, G replaced by A.
Molecular consequence: splice donor variant.
Genome position (GRCh38, 1-based): chr9:108,917,546, C>T on the plus strand (G>A on the coding strand, the complement: ELP1 is on the minus strand). VCF-style: chr9-108917546-C-T. GRCh37 (hg19) VCF-style: chr9-111679826-C-T.
Other names: c.522+1G>A (NM_001318360.2); c.-184+1G>A (NM_001330749.2).
Identifiers: ClinVar variation 4815252 (VCV004815252.1).